The following is an entry in ClinVar:

NM_001127671.2(LIFR):c.2937G>A (p.Ser979=)

Gene: LIFR (LIF receptor subunit alpha; minus strand). Cytogenetic location: 5p13.1.
Variant type: single nucleotide variant.
Coding change: c.2937G>A on transcript NM_001127671.2 (MANE Select); coding-DNA position 2937, G replaced by A.
Protein change: p.Ser979=; no amino-acid change (serine 979 retained).
Molecular consequence: synonymous variant.
Genome position (GRCh38, 1-based): chr5:38,481,952, C>T on the plus strand (G>A on the coding strand, the complement: LIFR is on the minus strand). VCF-style: chr5-38481952-C-T. GRCh37 (hg19) VCF-style: chr5-38482054-C-T.
Other names: c.2937G>A, p.Ser979= (NM_001364297.2, NM_002310.6); c.2904G>A, p.Ser968= (NM_001364298.2).
Identifiers: ClinVar variation 593625 (VCV000593625.19), dbSNP rs201711670, ClinGen allele CA3242536.

ClinVar aggregate classification (germline): Conflicting classifications of pathogenicity. Review status: criteria provided, conflicting classifications (1 of 4 stars). 4 submissions from 4 submitters: Uncertain significance (1); Likely benign (2). 1 of the submissions does not count toward it. Last evaluated 2026-01-18.

Conditions:
LIFR-related disorder. Also called: LIFR-related condition.

Allele frequency attached by ClinVar (database versions not stated): ExAC 0.00003; gnomAD exomes 0.00005 and 0.00011; gnomAD 0.00008; TOPMed 0.00008; 1000 Genomes Project 30x 0.00016; 1000 Genomes Project 0.00020.
gnomAD v4.1: 175 of 1,614,054 alleles (0.011%); highest among the groups gnomAD compares: Non-Finnish European, 0.013%; no homozygotes.

Submissions (4):

Labcorp Genetics (formerly Invitae), Labcorp
Classification: Likely benign. Last evaluated: 2026-01-18. Review status: criteria provided, single submitter. Criteria: Invitae Variant Classification Sherloc (09022015). Collection method: clinical testing. Allele origin: germline.

Blueprint Genetics
Classification: Likely benign. Last evaluated: 2024-09-18. Review status: criteria provided, single submitter. Criteria: ACMG Guidelines, 2015. Collection method: clinical testing. Allele origin: germline.

Eurofins Ntd Llc (ga)
Classification: Uncertain significance. Last evaluated: 2017-08-31. Review status: criteria provided, single submitter. Criteria: EGL Classification Definitions 2015. Collection method: clinical testing. Allele origin: germline. Observed: 1 variant allele, 1 heterozygote.

PreventionGenetics, part of Exact Sciences
Classification: Likely benign for LIFR-related condition. Last evaluated: 2019-05-20. Review status: no assertion criteria provided. Collection method: clinical testing. Allele origin: germline. Not counted in ClinVar's aggregate classification.
Comment: This variant is classified as likely benign based on ACMG/AMP sequence variant interpretation guidelines (Richards et al. 2015 PMID: 25741868, with internal and published modifications).